The following is an entry in ClinVar:

ClinVar aggregate classification (germline): Uncertain significance (1 of 4 stars; one submission).

Allele frequency attached by ClinVar (database versions not stated): ExAC 0.00001.
gnomAD v4.1: 6 of 1,609,596 alleles (0.00037%); highest among the groups gnomAD compares: Admixed American, 0.01%; no homozygotes.

Submission:

Labcorp Genetics (formerly Invitae), Labcorp
Classification: Uncertain significance. Last evaluated: 2023-08-24. Review status: criteria provided, single submitter. Criteria: Invitae Variant Classification Sherloc (09022015). Collection method: clinical testing. Allele origin: germline.
Comment: This sequence change falls in intron 18 of the MYO5B gene. It does not directly change the encoded amino acid sequence of the MYO5B protein. This variant is present in population databases (rs769672603, gnomAD 0.02%). This variant has not been reported in the literature in individuals affected with MYO5B-related conditions. Algorithms developed to predict the effect of sequence changes on RNA splicing suggest that this variant may create or strengthen a splice site. In summary, the available evidence is currently insufficient to determine the role of this variant in disease. Therefore, it has been classified as a Variant of Uncertain Significance.

NM_001080467.3(MYO5B):c.2203-12T>G

Gene: MYO5B (myosin VB; minus strand). Cytogenetic location: 18q21.1.
Variant type: single nucleotide variant.
Coding change: c.2203-12T>G on transcript NM_001080467.3 (MANE Select); 12 bases into the intron before coding-DNA position 2203, T replaced by G.
Molecular consequence: intron variant.
Genome position (GRCh38, 1-based): chr18:49,906,642, A>C on the plus strand (T>G on the coding strand, the complement: MYO5B is on the minus strand). VCF-style: chr18-49906642-A-C. GRCh37 (hg19) VCF-style: chr18-47433012-A-C.
Identifiers: ClinVar variation 2964394 (VCV002964394.1), dbSNP rs769672603, ClinGen allele CA8961163.
Genomic context (GRCh38, chr18:49,906,642, plus strand): 5'-CTGCTCGAAAGAAGATCTTGGTGCGGCCAAACTGGAACTTGTCGGGGTCCTTTACAAGGT[A>C]GGGAGGGGATCTGGTTGGTCACCAGTGAGCAGAGAAATAACATGGCCCATACCACCCTTG-3'